The following is an entry in ClinVar:

ClinVar aggregate classification (germline): Conflicting classifications of pathogenicity. Review status: criteria provided, conflicting classifications (1 of 4 stars). 5 submissions from 5 submitters: Uncertain significance (4); Likely benign (1). Last evaluated 2025-12-31.

Conditions:
Hereditary cancer-predisposing syndrome. Also called: Neoplastic Syndromes, Hereditary; Hereditary Cancer Syndrome; Tumor predisposition; Hereditary neoplastic syndrome. Identifiers: Orphanet 140162, MedGen C0027672, MeSH D009386, MONDO:0015356.
BAP1-related tumor predisposition syndrome (TPDS1). Also called: COMMON Syndrome; TUMOR PREDISPOSITION SYNDROME 1; BAP1 tumor predisposition syndrome; Tumor susceptibility linked to germline BAP1 mutations. Identifiers: Orphanet 289539, MedGen C3280492, MONDO:0013692, OMIM 614327.

Allele frequency attached by ClinVar (database versions not stated): TOPMed below 0.00001; ExAC 0.00001; gnomAD 0.00001; gnomAD exomes 0.00001.

Submissions (5):

Labcorp Genetics (formerly Invitae), Labcorp
Classification: Uncertain significance for BAP1-related tumor predisposition syndrome. Last evaluated: 2025-12-31. Review status: criteria provided, single submitter. Criteria: Invitae Variant Classification Sherloc (09022015). Collection method: clinical testing. Allele origin: germline.
Comment: This sequence change replaces arginine, which is basic and polar, with cysteine, which is neutral and slightly polar, at codon 548 of the BAP1 protein (p.Arg548Cys). This variant is present in population databases (rs748853790, gnomAD 0.006%). This variant has not been reported in the literature in individuals affected with BAP1-related conditions. ClinVar contains an entry for this variant (Variation ID: 584645). Invitae Evidence Modeling of protein sequence and biophysical properties (such as structural, functional, and spatial information, amino acid conservation, physicochemical variation, residue mobility, and thermodynamic stability) indicates that this missense variant is not expected to disrupt BAP1 protein function with a negative predictive value of 80%. In summary, the available evidence is currently insufficient to determine the role of this variant in disease. Therefore, it has been classified as a Variant of Uncertain Significance.

Ambry Genetics
Classification: Likely benign for Hereditary cancer-predisposing syndrome. Last evaluated: 2024-10-08. Review status: criteria provided, single submitter. Criteria: Ambry Variant Classification Scheme 2023. Collection method: clinical testing. Allele origin: germline.

Baylor Genetics
Classification: Uncertain significance for BAP1-related tumor predisposition syndrome. Last evaluated: 2024-03-14. Review status: criteria provided, single submitter. Criteria: ACMG Guidelines, 2015. Collection method: clinical testing. Allele origin: unknown.

Color Diagnostics, LLC DBA Color Health
Classification: Uncertain significance for Hereditary cancer-predisposing syndrome. Last evaluated: 2023-08-01. Review status: criteria provided, single submitter. Criteria: ACMG Guidelines, 2015. Collection method: clinical testing. Allele origin: germline.
Comment: This missense variant replaces arginine with cysteine at codon 548 of the BAP1 protein. Computational prediction suggests that this variant may not impact protein structure and function (internally defined REVEL score threshold <= 0.5, PMID: 27666373). To our knowledge, functional studies have not been reported for this variant. This variant has not been reported in individuals affected with BAP1-related disorders in the literature. This variant has been identified in 3/251094 chromosomes in the general population by the Genome Aggregation Database (gnomAD). The available evidence is insufficient to determine the role of this variant in disease conclusively. Therefore, this variant is classified as a Variant of Uncertain Significance.

Mendelics
Classification: Uncertain significance for Tumor susceptibility linked to germline BAP1 mutations. Last evaluated: 2018-07-02. Review status: criteria provided, single submitter. Criteria: Mendelics Assertion Criteria 2017. Collection method: clinical testing. Allele origin: unknown.

Literature cited by the submitters: PubMed 38969833 (cited by Ambry Genetics).

NM_004656.4(BAP1):c.1642C>T (p.Arg548Cys)

Gene: BAP1 (BRCA1 associated deubiquitinase 1; minus strand). Cytogenetic location: 3p21.1.
Variant type: single nucleotide variant.
Coding change: c.1642C>T on transcript NM_004656.4 (MANE Select); coding-DNA position 1642, C replaced by T.
Protein change: p.Arg548Cys; replaces arginine 548 with cysteine.
Molecular consequence: missense variant.
Genome position (GRCh38, 1-based): chr3:52,403,503, G>A on the plus strand (C>T on the coding strand, the complement: BAP1 is on the minus strand). VCF-style: chr3-52403503-G-A. GRCh37 (hg19) VCF-style: chr3-52437519-G-A.
Other names: short protein forms R548C.
Identifiers: ClinVar variation 584645 (VCV000584645.15), dbSNP rs748853790, ClinGen allele CA2436765.
Genomic context (GRCh38, chr3:52,403,503, plus strand): 5'-CATCCTCAGCCAGGTGCAGCAGGCCTGTGCTGATGACAGGACCCAGATCACGGACAGCAC[G>A]GTTGTAGCGTATGCAGTCAACACGCAGCAGGCTGTCATCCTCTCCAAAAAGCACCTTGGA-3'
Protein context (NP_004647.1, residues 538-558): LLRVDCIRYN[Arg548Cys]AVRDLGPVIS